The following is an entry in ClinVar:

ClinVar aggregate classification (germline): Uncertain significance. Review status: criteria provided, multiple submitters, no conflicts (2 of 4 stars). 4 submissions from 4 submitters: Uncertain significance (4). Last evaluated 2022-10-13.

Conditions:
Combined immunodeficiency due to CD3gamma deficiency. Also called: CD3-GAMMA DEFICIENCY; SCID-LIKE IMMUNODEFICIENCY, T CELL-PARTIAL, B CELL-POSITIVE, NK CELL-POSITIVE; Immunodeficiency 17; Immunodeficiency 17, CD3 gamma deficient. Identifiers: Orphanet 169082, MedGen C3810107, MONDO:0014276, OMIM 615607.

Allele frequency attached by ClinVar (database versions not stated): gnomAD exomes 0.00003 and 0.00008; ExAC 0.00004; TOPMed 0.00005; gnomAD 0.00007 and 0.00008.
gnomAD v4.1: 125 of 1,571,058 alleles (0.008%); highest among the groups gnomAD compares: Non-Finnish European, 0.01%; no homozygotes.

Submissions (4):

Center for Genomics, Ann and Robert H. Lurie Children's Hospital of Chicago
Classification: Uncertain significance for Combined immunodeficiency due to CD3gamma deficiency. Last evaluated: 2022-10-13. Review status: criteria provided, single submitter. Criteria: ACMG Guidelines, 2015. Collection method: clinical testing. Allele origin: germline.
Comment: This variant has not been reported in the literature but is present in the Genome Aggregation Database (Highest reported MAF 0.1% (12/68028). This variant is present in ClinVar (Variation ID:302680). Evolutionary conservation and computational predictive tools suggest that this variant may not impact the protein. In summary, data on this variant is insufficient for disease classification. Therefore, the clinical significance of this variant is uncertain.

Labcorp Genetics (formerly Invitae), Labcorp
Classification: Uncertain significance for Combined immunodeficiency due to CD3gamma deficiency. Last evaluated: 2022-08-01. Review status: criteria provided, single submitter. Criteria: Invitae Variant Classification Sherloc (09022015). Collection method: clinical testing. Allele origin: germline.
Comment: This sequence change replaces isoleucine, which is neutral and non-polar, with threonine, which is neutral and polar, at codon 11 of the CD3G protein (p.Ile11Thr). This variant is present in population databases (rs201006956, gnomAD 0.009%). This variant has not been reported in the literature in individuals affected with CD3G-related conditions. ClinVar contains an entry for this variant (Variation ID: 302680). Algorithms developed to predict the effect of missense changes on protein structure and function output the following: SIFT: "Tolerated"; PolyPhen-2: "Benign"; Align-GVGD: "Class C0". The threonine amino acid residue is found in multiple mammalian species, which suggests that this missense change does not adversely affect protein function. In summary, the available evidence is currently insufficient to determine the role of this variant in disease. Therefore, it has been classified as a Variant of Uncertain Significance.

Blueprint Genetics
Classification: Uncertain significance. Last evaluated: 2022-01-17. Review status: criteria provided, single submitter. Criteria: ACMG Guidelines, 2015. Collection method: clinical testing. Allele origin: germline.

Illumina Laboratory Services, Illumina
Classification: Uncertain significance for Combined immunodeficiency due to CD3gamma deficiency. Last evaluated: 2018-01-13. Review status: criteria provided, single submitter. Criteria: ICSL Variant Classification Criteria 13 December 2019. Collection method: clinical testing. Allele origin: germline.

NM_000073.3(CD3G):c.32T>C (p.Ile11Thr)

Gene: CD3G (CD3 gamma subunit of T-cell receptor complex; plus strand). Cytogenetic location: 11q23.3.
Variant type: single nucleotide variant.
Coding change: c.32T>C on transcript NM_000073.3 (MANE Select); coding-DNA position 32, T replaced by C.
Protein change: p.Ile11Thr; replaces isoleucine 11 with threonine.
Molecular consequence: missense variant.
Genome position (GRCh38, 1-based): chr11:118,344,455, T>C. VCF-style: chr11-118344455-T-C. GRCh37 (hg19) VCF-style: chr11-118215170-T-C.
Other names: short protein forms I11T.
Identifiers: ClinVar variation 302680 (VCV000302680.12), dbSNP rs201006956, ClinGen allele CA6302054.
Genomic context (GRCh38, chr11:118,344,455, plus strand): 5'-CACGCTTTTGCCGGAGGACAGAGACTGACATGGAACAGGGGAAGGGCCTGGCTGTCCTCA[T>C]CCTGGCTATCATTCTTCTTCAAGGTAAGGGCCTACTAGGGGTCTGGAAGCCTGGGGAAGG-3'
Protein context (NP_000064.1, residues 1-21): MEQGKGLAVL[Ile11Thr]LAIILLQGTL